The following is an entry in ClinVar:

NM_014314.4(RIGI):c.415A>C (p.Ile139Leu)

Gene: RIGI (RNA sensor RIG-I; minus strand). Cytogenetic location: 9p21.1.
Variant type: single nucleotide variant.
Coding change: c.415A>C on transcript NM_014314.4 (MANE Select); coding-DNA position 415, A replaced by C.
Protein change: p.Ile139Leu; replaces isoleucine 139 with leucine.
Molecular consequence: missense variant.
Genome position (GRCh38, 1-based): chr9:32,493,769, T>G on the plus strand (A>C on the coding strand, the complement: RIGI is on the minus strand). VCF-style: chr9-32493769-T-G. GRCh37 (hg19) VCF-style: chr9-32493767-T-G.
Other names: p.Ile139Leu; short protein forms I139L.
Identifiers: ClinVar variation 776417 (VCV000776417.10), dbSNP rs78786043, ClinGen allele CA5020100.

ClinVar aggregate classification (germline): Benign. Review status: criteria provided, multiple submitters, no conflicts (2 of 4 stars). 2 submissions from 2 submitters: Benign (2). Last evaluated 2026-02-02.

Allele frequency attached by ClinVar (database versions not stated): gnomAD exomes 0.00062 and 0.00168; ExAC 0.00196; gnomAD 0.00589 and 0.00619; 1000 Genomes Project 30x 0.00656; 1000 Genomes Project 0.00659; ESP Exome Variant Server 0.00686; TOPMed 0.00696.
gnomAD v4.1: 1,790 of 1,568,320 alleles (0.11%); highest among the groups gnomAD compares: African/African-American, 1.9%; 15 homozygotes.

Submissions (2):

Labcorp Genetics (formerly Invitae), Labcorp
Classification: Benign. Last evaluated: 2026-02-02. Review status: criteria provided, single submitter. Criteria: Invitae Variant Classification Sherloc (09022015). Collection method: clinical testing. Allele origin: germline.

Mayo Clinic Laboratories, Mayo Clinic
Classification: Benign. Last evaluated: 2024-04-25. Review status: criteria provided, single submitter. Criteria: ACMG Guidelines, 2015. Collection method: clinical testing. Allele origin: germline. Observed: 3 variant alleles.
Comment: BS1, BS2, BP4